The following is an entry in ClinVar:

NM_014140.4(SMARCAL1):c.667C>T (p.Gln223Ter)

Gene: SMARCAL1 (SNF2 related chromatin remodeling annealing helicase 1; plus strand). Cytogenetic location: 2q35.
Variant type: single nucleotide variant.
Coding change: c.667C>T on transcript NM_014140.4 (MANE Select); coding-DNA position 667, C replaced by T.
Protein change: p.Gln223Ter; replaces glutamine 223 with a stop codon.
Molecular consequence: nonsense.
Genome position (GRCh38, 1-based): chr2:216,415,371, C>T. VCF-style: chr2-216415371-C-T. GRCh37 (hg19) VCF-style: chr2-217280094-C-T.
Other names: c.667C>T, p.Gln223Ter (NM_001127207.2); short protein forms Q223*.
Identifiers: ClinVar variation 2017787 (VCV002017787.4), dbSNP rs2469611876, ClinGen allele CA350497787.

ClinVar aggregate classification (germline): Pathogenic (1 of 4 stars; one submission).

Conditions:
Schimke immuno-osseous dysplasia (SIOD). Also called: Schimke Immunoosseous Dysplasia. Identifiers: Orphanet 1830, MedGen C0877024, MONDO:0009458, OMIM 242900.

Submission:

Labcorp Genetics (formerly Invitae), Labcorp
Classification: Pathogenic for Schimke immuno-osseous dysplasia. Last evaluated: 2023-10-15. Review status: criteria provided, single submitter. Criteria: Invitae Variant Classification Sherloc (09022015). Collection method: clinical testing. Allele origin: germline.
Comment: This sequence change creates a premature translational stop signal (p.Gln223*) in the SMARCAL1 gene. It is expected to result in an absent or disrupted protein product. Loss-of-function variants in SMARCAL1 are known to be pathogenic (PMID: 11799392, 20301550). This variant is not present in population databases (gnomAD no frequency). This variant has not been reported in the literature in individuals affected with SMARCAL1-related conditions. ClinVar contains an entry for this variant (Variation ID: 2017787). For these reasons, this variant has been classified as Pathogenic.

Literature cited by the submitters: PubMed 11799392; PubMed 20301550.